The following is an entry in ClinVar:

NM_020207.7(ERCC6L2):c.821C>T (p.Ala274Val)

Gene: ERCC6L2 (ERCC excision repair 6 like 2; plus strand). Cytogenetic location: 9q22.32.
Variant type: single nucleotide variant.
Coding change: c.821C>T on transcript NM_020207.7 (MANE Select); coding-DNA position 821, C replaced by T.
Protein change: p.Ala274Val; replaces alanine 274 with valine.
Molecular consequence: missense variant. On other transcripts: non-coding transcript variant (1).
Genome position (GRCh38, 1-based): chr9:95,915,700, C>T. VCF-style: chr9-95915700-C-T. GRCh37 (hg19) VCF-style: chr9-98677982-C-T.
Other names: c.821C>T, p.Ala274Val (NM_001010895.4, NM_001375291.1, NM_001375292.1 and 2 more transcripts); short protein forms A274V.
Identifiers: ClinVar variation 5036078 (VCV005036078.1).

ClinVar aggregate classification (germline): Uncertain significance (1 of 4 stars; one submission).

Conditions:
Inborn genetic diseases. Identifiers: MedGen C0950123, MeSH D030342.

Submission:

Ambry Genetics
Classification: Uncertain significance for Inborn genetic diseases. Last evaluated: 2026-07-12. Review status: criteria provided, single submitter. Criteria: Ambry Variant Classification Scheme 2023. Collection method: clinical testing. Allele origin: germline.
Comment: The p.A274V variant (also known as c.821C>T), located in coding exon 5 of the ERCC6L2 gene, results from a C to T substitution at nucleotide position 821. The alanine at codon 274 is replaced by valine, an amino acid with similar properties. This amino acid position is conserved. In addition, the in silico prediction for this alteration is inconclusive. Based on the available evidence, the clinical significance of this variant remains unclear.